The following is an entry in ClinVar:

NM_172364.5(CACNA2D4):c.*1557A>C

Gene: CACNA2D4 (calcium voltage-gated channel auxiliary subunit alpha2delta 4; minus strand). Cytogenetic location: 12p13.33.
Variant type: single nucleotide variant.
Coding change: c.*1557A>C on transcript NM_172364.5 (MANE Select); 1557 bases downstream of the stop codon, A replaced by C.
Molecular consequence: 3 prime UTR variant.
Genome position (GRCh38, 1-based): chr12:1,792,098, T>G on the plus strand (A>C on the coding strand, the complement: CACNA2D4 is on the minus strand). VCF-style: chr12-1792098-T-G. GRCh37 (hg19) VCF-style: chr12-1901264-T-G.
Identifiers: ClinVar variation 307799 (VCV000307799.5), dbSNP rs58494350, ClinGen allele CA10640576.
Genomic context (GRCh38, chr12:1,792,098, plus strand): 5'-TTCAATCTTCATACACTCTTCCGGTAATTTGGAGGCAATTTTCAACTCTGCTGCAGTTTC[T>G]ATAACATGGGACTAATGATAGTACCCACTTTCAGGGGGCTGTTGTGAGGATGGAATGAGC-3'

ClinVar aggregate classification (germline): Benign (1 of 4 stars; one submission).

Conditions:
Retinal cone dystrophy 4 (RCD4). Identifiers: Orphanet 1872, MedGen C1864849, MONDO:0012507, OMIM 610478.

Allele frequency attached by ClinVar (database versions not stated): 1000 Genomes Project 0.00899; 1000 Genomes Project 30x 0.00968; gnomAD 0.01015 and 0.01105; TOPMed 0.01129.

Submission:

Illumina Laboratory Services, Illumina
Classification: Benign for Retinal cone dystrophy 4. Last evaluated: 2018-01-13. Review status: criteria provided, single submitter. Criteria: ICSL Variant Classification Criteria 13 December 2019. Collection method: clinical testing. Allele origin: germline.
Comment: This variant was observed in the ICSL laboratory as part of a predisposition screen in an ostensibly healthy population. It had not been previously curated by ICSL or reported in the Human Gene Mutation Database (HGMD: prior to June 1st, 2018), and was therefore a candidate for classification through an automated scoring system. Utilizing variant allele frequency, disease prevalence and penetrance estimates, and inheritance mode, an automated score was calculated to assess if this variant is too frequent to cause the disease. Based on the score and internal cut-off values, a variant classified as benign is not then subjected to further curation. The score for this variant resulted in a classification of benign for this disease.